The following is an entry in ClinVar:

ClinVar aggregate classification (germline): Uncertain significance (1 of 4 stars; one submission).

gnomAD v4.1: 1 of 1,614,118 alleles (0.000062%); highest among the groups gnomAD compares: South Asian, 0.0011%; no homozygotes.

Submission:

Ambry Genetics
Classification: Uncertain significance. Last evaluated: 2024-10-04. Review status: criteria provided, single submitter. Criteria: Ambry Variant Classification Scheme 2023. Collection method: clinical testing. Allele origin: germline.
Comment: The p.P300A variant (also known as c.898C>G), located in coding exon 7 of the RINT1 gene, results from a C to G substitution at nucleotide position 898. The proline at codon 300 is replaced by alanine, an amino acid with highly similar properties. This amino acid position is conserved. In addition, this alteration is predicted to be tolerated by in silico analysis. Based on the available evidence, the clinical significance of this variant remains unclear.

NM_021930.6(RINT1):c.898C>G (p.Pro300Ala)

Gene: RINT1 (RAD50 interactor 1; plus strand). Cytogenetic location: 7q22.3.
Variant type: single nucleotide variant.
Coding change: c.898C>G on transcript NM_021930.6 (MANE Select); coding-DNA position 898, C replaced by G.
Protein change: p.Pro300Ala; replaces proline 300 with alanine.
Molecular consequence: missense variant. On other transcripts: 5 prime UTR variant (2), non-coding transcript variant (1), intron variant (1).
Genome position (GRCh38, 1-based): chr7:105,548,612, C>G. VCF-style: chr7-105548612-C-G. GRCh37 (hg19) VCF-style: chr7-105189059-C-G.
Other names: c.664C>G, p.Pro222Ala (NM_001346599.2); c.-122C>G (NM_001346600.2); c.-27C>G (NM_001346601.2); c.-27-1443C>G (NM_001346603.2); short protein forms P222A, P300A.
Identifiers: ClinVar variation 3433554 (VCV003433554.1).
Genomic context (GRCh38, chr7:105,548,612, plus strand): 5'-AGAGATGAATTACTTACTGAGCCAAAGCAACTCCCAGAAAAATACTCTCTTCCTGCCTCC[C>G]CTTCTGTCATCCTGCCCATCCAGGTTATGCTGACTCCTCTTCAGAAGAGGTTCAGGTATC-3'
Protein context (NP_068749.3, residues 290-310): LPEKYSLPAS[Pro300Ala]SVILPIQVML